The following is an entry in ClinVar:

NM_000553.6(WRN):c.410G>A (p.Gly137Asp)

Gene: WRN (WRN RecQ like helicase; plus strand). Cytogenetic location: 8p12.
Variant type: single nucleotide variant.
Coding change: c.410G>A on transcript NM_000553.6 (MANE Select); coding-DNA position 410, G replaced by A.
Protein change: p.Gly137Asp; replaces glycine 137 with aspartic acid.
Molecular consequence: missense variant.
Genome position (GRCh38, 1-based): chr8:31,064,969, G>A. VCF-style: chr8-31064969-G-A. GRCh37 (hg19) VCF-style: chr8-30922485-G-A.
Other names: short protein forms G137D.
Identifiers: ClinVar variation 4764998 (VCV004764998.1).

ClinVar aggregate classification (germline): Uncertain significance (1 of 4 stars; one submission).

Conditions:
Werner syndrome (WRN). Identifiers: Orphanet 902, MedGen C0043119, MONDO:0010196, OMIM 277700.

Submission:

Labcorp Genetics (formerly Invitae), Labcorp
Classification: Uncertain significance for Werner syndrome. Last evaluated: 2025-02-19. Review status: criteria provided, single submitter. Criteria: Invitae Variant Classification Sherloc (09022015). Collection method: clinical testing. Allele origin: germline.
Comment: This sequence change replaces glycine, which is neutral and non-polar, with aspartic acid, which is acidic and polar, at codon 137 of the WRN protein (p.Gly137Asp). This variant is not present in population databases (gnomAD no frequency). This variant has not been reported in the literature in individuals affected with WRN-related conditions. An algorithm developed to predict the effect of missense changes on protein structure and function (PolyPhen-2) suggests that this variant is likely to be disruptive. In summary, the available evidence is currently insufficient to determine the role of this variant in disease. Therefore, it has been classified as a Variant of Uncertain Significance.